The following is an entry in ClinVar:

NM_000245.4(MET):c.3086C>T (p.Thr1029Ile)

Gene: MET (MET proto-oncogene, receptor tyrosine kinase; plus strand). Cytogenetic location: 7q31.2.
Variant type: single nucleotide variant.
Coding change: c.3086C>T on transcript NM_000245.4 (MANE Select); coding-DNA position 3086, C replaced by T.
Protein change: p.Thr1029Ile; replaces threonine 1029 with isoleucine.
Molecular consequence: missense variant.
Genome position (GRCh38, 1-based): chr7:116,774,938, C>T. VCF-style: chr7-116774938-C-T. GRCh37 (hg19) VCF-style: chr7-116414992-C-T.
Other names: c.3140C>T, p.Thr1047Ile (NM_001127500.3); c.1796C>T, p.Thr599Ile (NM_001324402.2); short protein forms T1029I, T1047I, T599I.
Identifiers: ClinVar variation 1728088 (VCV001728088.7), dbSNP rs1442033161, ClinGen allele CA368988018.

ClinVar aggregate classification (germline): Uncertain significance. Review status: criteria provided, multiple submitters, no conflicts (2 of 4 stars). 2 submissions from 2 submitters: Uncertain significance (2). Last evaluated 2025-11-03.

Conditions:
Renal cell carcinoma. Identifiers: Orphanet 217071, MedGen C0007134, MeSH D002292, MONDO:0005086, HP:0005584.
Hereditary cancer-predisposing syndrome. Also called: Tumor predisposition; Neoplastic Syndromes, Hereditary; Hereditary Cancer Syndrome; Hereditary neoplastic syndrome. Identifiers: Orphanet 140162, MedGen C0027672, MeSH D009386, MONDO:0015356.

Allele frequency attached by ClinVar (database versions not stated): gnomAD exomes below 0.00001.
gnomAD v4.1: 2 of 1,614,188 alleles (0.00012%); highest among the groups gnomAD compares: Admixed American, 0.0017%; no homozygotes.

Submissions (2):

Labcorp Genetics (formerly Invitae), Labcorp
Classification: Uncertain significance for Renal cell carcinoma. Last evaluated: 2025-11-03. Review status: criteria provided, single submitter. Criteria: Invitae Variant Classification Sherloc (09022015). Collection method: clinical testing. Allele origin: germline.
Comment: This sequence change replaces threonine, which is neutral and polar, with isoleucine, which is neutral and non-polar, at codon 1047 of the MET protein (p.Thr1047Ile). This variant is present in population databases (no rsID available, gnomAD 0.003%). This variant has not been reported in the literature in individuals affected with MET-related conditions. ClinVar contains an entry for this variant (Variation ID: 1728088). An algorithm developed to predict the effect of missense changes on protein structure and function (PolyPhen-2) suggests that this variant is likely to be tolerated. In summary, the available evidence is currently insufficient to determine the role of this variant in disease. Therefore, it has been classified as a Variant of Uncertain Significance.

Ambry Genetics
Classification: Uncertain significance for Hereditary cancer-predisposing syndrome. Last evaluated: 2022-05-18. Review status: criteria provided, single submitter. Criteria: Ambry Variant Classification Scheme 2023. Collection method: clinical testing. Allele origin: germline.
Comment: The p.T1047I variant (also known as c.3140C>T), located in coding exon 14 of the MET gene, results from a C to T substitution at nucleotide position 3140. The threonine at codon 1047 is replaced by isoleucine, an amino acid with similar properties. This amino acid position is conserved. In addition, this alteration is predicted to be tolerated by in silico analysis. Since supporting evidence is limited at this time, the clinical significance of this alteration remains unclear.